The following is an entry in ClinVar:

NM_001429.4(EP300):c.1814dup (p.Met605fs)

Gene: EP300 (EP300 lysine acetyltransferase; plus strand). Cytogenetic location: 22q13.2.
Variant type: Duplication.
Coding change: c.1814dup on transcript NM_001429.4 (MANE Select); coding-DNA position 1814, one base duplicated (T; older notation c.1814dupT).
Protein change: p.Met605fs; shifts the reading frame from methionine 605.
Molecular consequence: frameshift variant.
Genome position (GRCh38, 1-based): chr22:41,140,193, T duplicated. VCF-style (leftmost placement, unchanged base first): chr22-41140192-A-AT. GRCh37 (hg19) VCF-style: chr22-41536196-A-AT.
Other names: c.1814dup, p.Met605fs (NM_001362843.2); short protein forms M605fs.
Identifiers: ClinVar variation 2842674 (VCV002842674.3), dbSNP rs2518143785, ClinGen allele CA2739267988.

ClinVar aggregate classification (germline): Pathogenic (1 of 4 stars; one submission).

Conditions:
Rubinstein-Taybi syndrome due to EP300 haploinsufficiency. Also called: RUBINSTEIN-TAYBI SYNDROME 2; EP300-Related Rubinstein-Taybi Syndrome. Identifiers: Orphanet 353284, Orphanet 783, MedGen C3150941, MONDO:0013364, OMIM 613684.

Submission:

Labcorp Genetics (formerly Invitae), Labcorp
Classification: Pathogenic for Rubinstein-Taybi syndrome due to EP300 haploinsufficiency. Last evaluated: 2023-03-10. Review status: criteria provided, single submitter. Criteria: Invitae Variant Classification Sherloc (09022015). Collection method: clinical testing. Allele origin: germline.
Comment: This sequence change creates a premature translational stop signal (p.Met605Ilefs*12) in the EP300 gene. It is expected to result in an absent or disrupted protein product. Loss-of-function variants in EP300 are known to be pathogenic (PMID: 15706485, 24476420). For these reasons, this variant has been classified as Pathogenic. This premature translational stop signal has been observed in individual(s) with Rubinstein-Taybi syndrome (Invitae). This variant is not present in population databases (gnomAD no frequency).

Literature cited by the submitters: PubMed 15706485; PubMed 24476420.